The following is an entry in ClinVar:

NM_001563.4(IMPG1):c.562+10G>A

Gene: IMPG1 (interphotoreceptor matrix proteoglycan 1; minus strand). Cytogenetic location: 6q14.1.
Variant type: single nucleotide variant.
Coding change: c.562+10G>A on transcript NM_001563.4 (MANE Select); 10 bases into the intron after coding-DNA position 562, G replaced by A.
Molecular consequence: intron variant.
Genome position (GRCh38, 1-based): chr6:76,025,184, C>T on the plus strand (G>A on the coding strand, the complement: IMPG1 is on the minus strand). VCF-style: chr6-76025184-C-T. GRCh37 (hg19) VCF-style: chr6-76734901-C-T.
Other names: c.328+10G>A (NM_001282368.2); c.562+10G>A (NM_001563.3).
Identifiers: ClinVar variation 1147330 (VCV001147330.10), dbSNP rs887059710, ClinGen allele CA141096557.
Genomic context (GRCh38, chr6:76,025,184, plus strand): 5'-TTATAAATAACATGCTATCATGATGATTTGAATGAAAGTTGAGAAGCAAAGAAATTAGAT[C>T]TAAGCTTACCTGTTGAAATGACAATGGTTTCACCAGGCTCTCCCAATGTCTTCTCTGCAG-3'

ClinVar aggregate classification (germline): Likely benign. Review status: criteria provided, multiple submitters, no conflicts (2 of 4 stars). 2 submissions from 2 submitters: Likely benign (2). Last evaluated 2025-07-17.

Conditions:
IMPG1-related disorder. Also called: IMPG1-related condition.

gnomAD v4.1: 4 of 1,547,654 alleles (0.00026%); highest among the groups gnomAD compares: South Asian, 0.0023%; no homozygotes.

Submissions (2):

PreventionGenetics, part of Exact Sciences
Classification: Likely benign for IMPG1-related condition. Last evaluated: 2025-07-17. Review status: criteria provided, single submitter. Criteria: ACMG Guidelines, 2015. Collection method: clinical testing. Allele origin: germline.
Comment: This variant is classified as likely benign based on ACMG/AMP sequence variant interpretation guidelines (Richards et al. 2015 PMID: 25741868, with internal and published modifications).

Labcorp Genetics (formerly Invitae), Labcorp
Classification: Likely benign. Last evaluated: 2024-02-24. Review status: criteria provided, single submitter. Criteria: Invitae Variant Classification Sherloc (09022015). Collection method: clinical testing. Allele origin: germline.